The following is an entry in ClinVar:

NM_000264.5(PTCH1):c.1848C>A (p.Ser616Arg)

Genes: PTCH1 (patched 1; minus strand), LOC100507346 (uncharacterized LOC100507346; plus strand). Cytogenetic location: 9q22.32.
Variant type: single nucleotide variant.
Coding change: c.1848C>A on transcript NM_000264.5 (MANE Select); coding-DNA position 1848, C replaced by A.
Protein change: p.Ser616Arg; replaces serine 616 with arginine.
Molecular consequence: missense variant. On other transcripts: non-coding transcript variant (2).
Genome position (GRCh38, 1-based): chr9:95,469,153, G>T on the plus strand (C>A on the coding strand, the complement: PTCH1 is on the minus strand). VCF-style: chr9-95469153-G-T. GRCh37 (hg19) VCF-style: chr9-98231435-G-T.
Other names: c.1650C>A, p.Ser550Arg (NM_001083602.3); c.1845C>A, p.Ser615Arg (NM_001083603.3); c.1395C>A, p.Ser465Arg (NM_001083604.3, NM_001083605.3, NM_001083606.3 and 1 more transcripts); c.1692C>A, p.Ser564Arg (NM_001354918.2); short protein forms S465R, S550R, S564R, S615R, S616R.
Identifiers: ClinVar variation 1722100 (VCV001722100.7), dbSNP rs1323563026, ClinGen allele CA374116198.

ClinVar aggregate classification (germline): Uncertain significance. Review status: criteria provided, multiple submitters, no conflicts (2 of 4 stars). 2 submissions from 2 submitters: Uncertain significance (2). Last evaluated 2026-06-05.

Conditions:
Hereditary cancer-predisposing syndrome. Also called: Hereditary Cancer Syndrome; Neoplastic Syndromes, Hereditary; Hereditary neoplastic syndrome; Tumor predisposition. Identifiers: Orphanet 140162, MedGen C0027672, MeSH D009386, MONDO:0015356.
Gorlin syndrome. Also called: Nevoid Basal Cell Carcinoma Syndrome; Basal cell nevus syndrome. Identifiers: Orphanet 377, MedGen C0004779, MONDO:0007187.

Submissions (2):

Ambry Genetics
Classification: Uncertain significance for Hereditary cancer-predisposing syndrome. Last evaluated: 2026-06-05. Review status: criteria provided, single submitter. Criteria: Ambry Variant Classification Scheme 2023. Collection method: clinical testing. Allele origin: germline.
Comment: The p.S616R variant (also known as c.1848C>A) is located in coding exon 14 of the PTCH1 gene. The serine at codon 616 is replaced by arginine, an amino acid with dissimilar properties. This change occurs in the first base pair of coding exon 14. This amino acid position is highly conserved in available vertebrate species. In addition, this alteration is predicted to be deleterious by in silico analysis. Based on the available evidence, the clinical significance of this variant remains unclear.

Labcorp Genetics (formerly Invitae), Labcorp
Classification: Uncertain significance for Gorlin syndrome. Last evaluated: 2022-10-23. Review status: criteria provided, single submitter. Criteria: Invitae Variant Classification Sherloc (09022015). Collection method: clinical testing. Allele origin: germline.
Comment: In summary, the available evidence is currently insufficient to determine the role of this variant in disease. Therefore, it has been classified as a Variant of Uncertain Significance. Algorithms developed to predict the effect of missense changes on protein structure and function are either unavailable or do not agree on the potential impact of this missense change (SIFT: "Deleterious"; PolyPhen-2: "Benign"; Align-GVGD: "Class C0"). This variant has not been reported in the literature in individuals affected with PTCH1-related conditions. This variant is not present in population databases (gnomAD no frequency). This sequence change replaces serine, which is neutral and polar, with arginine, which is basic and polar, at codon 616 of the PTCH1 protein (p.Ser616Arg).